The following is an entry in ClinVar:

NM_005732.4(RAD50):c.223G>T (p.Glu75Ter)

Gene: RAD50 (RAD50 double strand break repair protein; plus strand). Cytogenetic location: 5q31.1.
Variant type: single nucleotide variant.
Coding change: c.223G>T on transcript NM_005732.4 (MANE Select); coding-DNA position 223, G replaced by T.
Protein change: p.Glu75Ter; replaces glutamic acid 75 with a stop codon.
Molecular consequence: nonsense.
Genome position (GRCh38, 1-based): chr5:132,575,786, G>T. VCF-style: chr5-132575786-G-T. GRCh37 (hg19) VCF-style: chr5-131911478-G-T.
Other names: short protein forms E75*.
Identifiers: ClinVar variation 2835241 (VCV002835241.3), dbSNP rs876658433, ClinGen allele CA360930120.

ClinVar aggregate classification (germline): Pathogenic (1 of 4 stars; one submission).

Conditions:
Hereditary cancer-predisposing syndrome. Also called: Tumor predisposition; Neoplastic Syndromes, Hereditary; Hereditary Cancer Syndrome; Hereditary neoplastic syndrome. Identifiers: Orphanet 140162, MedGen C0027672, MeSH D009386, MONDO:0015356.

Submission:

Labcorp Genetics (formerly Invitae), Labcorp
Classification: Pathogenic for Hereditary cancer-predisposing syndrome. Last evaluated: 2023-02-08. Review status: criteria provided, single submitter. Criteria: Invitae Variant Classification Sherloc (09022015). Collection method: clinical testing. Allele origin: germline.
Comment: This sequence change creates a premature translational stop signal (p.Glu75*) in the RAD50 gene. It is expected to result in an absent or disrupted protein product. Loss-of-function variants in RAD50 are known to be pathogenic (PMID: 19409520). This variant is not present in population databases (gnomAD no frequency). This variant has not been reported in the literature in individuals affected with RAD50-related conditions. For these reasons, this variant has been classified as Pathogenic.

Literature cited by the submitters: PubMed 19409520.